The following is an entry in ClinVar:

NM_002473.6(MYH9):c.2655G>A (p.Leu885=)

Genes: MYH9 (myosin heavy chain 9; minus strand), LOC126863137 (CDK7 strongly-dependent group 2 enhancer GRCh37_chr22:36696002-36697201; plus strand). Cytogenetic location: 22q12.3.
Variant type: single nucleotide variant.
Coding change: c.2655G>A on transcript NM_002473.6 (MANE Select); coding-DNA position 2655, G replaced by A.
Protein change: p.Leu885=; no amino-acid change (leucine 885 retained).
Molecular consequence: synonymous variant.
Genome position (GRCh38, 1-based): chr22:36,301,034, C>T on the plus strand (G>A on the coding strand, the complement: MYH9 is on the minus strand). VCF-style: chr22-36301034-C-T. GRCh37 (hg19) VCF-style: chr22-36697080-C-T.
Identifiers: ClinVar variation 1711550 (VCV001711550.30), dbSNP rs2517970601, ClinGen allele CA514358749.
Genomic context (GRCh38, chr22:36,301,034, plus strand): 5'-GCGGGCCCGGAGCTCCTCAGCCTCGGCACACAGCTCGGTTTCTGCCTGGAGCTGCTCCTG[C>T]AGCTGCAATTTCTCTGCCATGAGCTGCAAACAACAAGTGGAAAACACAAGCTCCTCGCAA-3'
Protein context (NP_002464.1, residues 875-895): QSQLMAEKLQ[Leu885=]QEQLQAETEL

ClinVar aggregate classification (germline): Likely benign (1 of 4 stars; one submission).

Submission:

CeGaT Center for Human Genetics Tuebingen
Classification: Likely benign. Last evaluated: 2026-06-01. Review status: criteria provided, single submitter. Criteria: CeGaT Center For Human Genetics Tuebingen Variant Classification Criteria Version 2. Collection method: clinical testing. Allele origin: germline. Affected: yes. Observed: 1 variant allele.
Comment: MYH9: PM2:Supporting, BP4, BP7